The following is an entry in ClinVar:

NM_004629.2(FANCG):c.1804C>G (p.Pro602Ala)

Gene: FANCG (FA complementation group G; minus strand). Cytogenetic location: 9p13.3.
Variant type: single nucleotide variant.
Coding change: c.1804C>G on transcript NM_004629.2 (MANE Select); coding-DNA position 1804, C replaced by G.
Protein change: p.Pro602Ala; replaces proline 602 with alanine.
Molecular consequence: missense variant.
Genome position (GRCh38, 1-based): chr9:35,074,173, G>C on the plus strand (C>G on the coding strand, the complement: FANCG is on the minus strand). VCF-style: chr9-35074173-G-C. GRCh37 (hg19) VCF-style: chr9-35074170-G-C.
Other names: short protein forms P602A.
Identifiers: ClinVar variation 4022467 (VCV004022467.1).
Genomic context (GRCh38, chr9:35,074,173, plus strand): 5'-GGTCACAAGACTTTGGCAGAGATGTCCGAAATTCTTCAAGGAAGGCGTCACGATCAGAGG[G>C]ACGGATCCAGCTCAAATAGCTTTCTAGGTACAGGGGGAGAGACCTGGAGAGAAAGAAGGA-3'
Protein context (NP_004620.1, residues 592-612): YLESYLSWIR[Pro602Ala]SDRDAFLEEF

ClinVar aggregate classification (germline): Uncertain significance (1 of 4 stars; one submission).

Conditions:
Inborn genetic diseases. Identifiers: MedGen C0950123, MeSH D030342.

Submission:

Ambry Genetics
Classification: Uncertain significance for Inborn genetic diseases. Last evaluated: 2025-03-30. Review status: criteria provided, single submitter. Criteria: Ambry Variant Classification Scheme 2023. Collection method: clinical testing. Allele origin: germline.
Comment: The p.P602A variant (also known as c.1804C>G), located in coding exon 14 of the FANCG gene, results from a C to G substitution at nucleotide position 1804. The proline at codon 602 is replaced by alanine, an amino acid with highly similar properties. This amino acid position is conserved. In addition, this alteration is predicted to be tolerated by in silico analysis. Based on the available evidence, the clinical significance of this variant remains unclear.